The following is an entry in ClinVar:

ClinVar aggregate classification (germline): Conflicting classifications of pathogenicity. Review status: criteria provided, conflicting classifications (1 of 4 stars). 2 submissions from 2 submitters: Uncertain significance (1); Likely benign (1). Last evaluated 2025-12-22.

Conditions:
DICER1-related tumor predisposition. Also called: DICER1 syndrome; DICER1-related pleuropulmonary blastoma cancer predisposition syndrome. Identifiers: Orphanet 284343, MedGen C3839822, MONDO:0100216.
Hereditary cancer-predisposing syndrome. Also called: Hereditary neoplastic syndrome; Neoplastic Syndromes, Hereditary; Tumor predisposition; Hereditary Cancer Syndrome. Identifiers: Orphanet 140162, MedGen C0027672, MeSH D009386, MONDO:0015356.

Allele frequency attached by ClinVar (database versions not stated): gnomAD exomes below 0.00001.
gnomAD v4.1: 1 of 1,613,354 alleles (0.000062%); highest among the groups gnomAD compares: Admixed American, 0.0017%; no homozygotes.

Submissions (2):

Labcorp Genetics (formerly Invitae), Labcorp
Classification: Uncertain significance for DICER1-related tumor predisposition. Last evaluated: 2025-12-22. Review status: criteria provided, single submitter. Criteria: Invitae Variant Classification Sherloc (09022015). Collection method: clinical testing. Allele origin: germline.
Comment: This sequence change replaces serine, which is neutral and polar, with threonine, which is neutral and polar, at codon 571 of the DICER1 protein (p.Ser571Thr). This variant is not present in population databases (gnomAD no frequency). This variant has not been reported in the literature in individuals affected with DICER1-related conditions. ClinVar contains an entry for this variant (Variation ID: 1021445). Invitae Evidence Modeling of protein sequence and biophysical properties (such as structural, functional, and spatial information, amino acid conservation, physicochemical variation, residue mobility, and thermodynamic stability) indicates that this missense variant is not expected to disrupt DICER1 protein function with a negative predictive value of 95%. In summary, the available evidence is currently insufficient to determine the role of this variant in disease. Therefore, it has been classified as a Variant of Uncertain Significance.

Ambry Genetics
Classification: Likely benign for Hereditary cancer-predisposing syndrome. Last evaluated: 2025-08-27. Review status: criteria provided, single submitter. Criteria: Ambry Variant Classification Scheme 2023. Collection method: clinical testing. Allele origin: germline.

NM_177438.3(DICER1):c.1712G>C (p.Ser571Thr)

Gene: DICER1 (dicer 1, ribonuclease III; minus strand). Cytogenetic location: 14q32.13.
Variant type: single nucleotide variant.
Coding change: c.1712G>C on transcript NM_177438.3 (MANE Select); coding-DNA position 1712, G replaced by C.
Protein change: p.Ser571Thr; replaces serine 571 with threonine.
Molecular consequence: missense variant.
Genome position (GRCh38, 1-based): chr14:95,116,493, C>G on the plus strand (G>C on the coding strand, the complement: DICER1 is on the minus strand). VCF-style: chr14-95116493-C-G. GRCh37 (hg19) VCF-style: chr14-95582830-C-G.
Other names: c.1712G>C, p.Ser571Thr (NM_001195573.1, NM_001271282.3, NM_001291628.2 and 1 more transcripts); short protein forms S571T.
Identifiers: ClinVar variation 1021445 (VCV001021445.13), dbSNP rs1892481172, ClinGen allele CA390884735.